The following is an entry in ClinVar:

NM_004525.3(LRP2):c.851A>G (p.Lys284Arg)

Gene: LRP2 (LDL receptor related protein 2; minus strand). Cytogenetic location: 2q31.1.
Variant type: single nucleotide variant.
Coding change: c.851A>G on transcript NM_004525.3 (MANE Select); coding-DNA position 851, A replaced by G.
Protein change: p.Lys284Arg; replaces lysine 284 with arginine.
Molecular consequence: missense variant.
Genome position (GRCh38, 1-based): chr2:169,290,916, T>C on the plus strand (A>G on the coding strand, the complement: LRP2 is on the minus strand). VCF-style: chr2-169290916-T-C. GRCh37 (hg19) VCF-style: chr2-170147426-T-C.
Other names: short protein forms K284R.
Identifiers: ClinVar variation 1717374 (VCV001717374.5), dbSNP rs1683982124, ClinGen allele CA349157983.
Genomic context (GRCh38, chr2:169,290,916, plus strand): 5'-CCGGTACTAGTGTTGTTTTCATCTTCTCTTCCTGGGCAATCTAAAATCCCATCACAAACT[T>C]TATAAATGGAGATGCATCGTCCCGACTCTGGGCAAGACCATTCTCTTGGGGAACATTTAT-3'
Protein context (NP_004516.2, residues 274-294): PESGRCISIY[Lys284Arg]VCDGILDCPG

ClinVar aggregate classification (germline): Uncertain significance (1 of 4 stars; one submission).

Allele frequency attached by ClinVar (database versions not stated): gnomAD 0.00001.
gnomAD v4.1: 1 of 1,614,034 alleles (0.000062%); highest among the groups gnomAD compares: African/African-American, 0.0013%; no homozygotes.

Submission:

Labcorp Genetics (formerly Invitae), Labcorp
Classification: Uncertain significance. Last evaluated: 2022-08-21. Review status: criteria provided, single submitter. Criteria: Invitae Variant Classification Sherloc (09022015). Collection method: clinical testing. Allele origin: germline.
Comment: In summary, the available evidence is currently insufficient to determine the role of this variant in disease. Therefore, it has been classified as a Variant of Uncertain Significance. Advanced modeling of protein sequence and biophysical properties (such as structural, functional, and spatial information, amino acid conservation, physicochemical variation, residue mobility, and thermodynamic stability) performed at Invitae indicates that this missense variant is not expected to disrupt LRP2 protein function. This variant has not been reported in the literature in individuals affected with LRP2-related conditions. This variant is not present in population databases (gnomAD no frequency). This sequence change replaces lysine, which is basic and polar, with arginine, which is basic and polar, at codon 284 of the LRP2 protein (p.Lys284Arg).